The following is an entry in ClinVar:

ClinVar aggregate classification (germline): Uncertain significance (1 of 4 stars; one submission).

Conditions:
Nemaline myopathy 9 (NEM9). Identifiers: MedGen C3810384, MONDO:0014326, OMIM 615731.

Allele frequency attached by ClinVar (database versions not stated): gnomAD 0.00001; gnomAD exomes 0.00001; TOPMed 0.00002.
gnomAD v4.1: 9 of 1,613,938 alleles (0.00056%); highest among the groups gnomAD compares: Non-Finnish European, 0.00076%; no homozygotes.

Submission:

Labcorp Genetics (formerly Invitae), Labcorp
Classification: Uncertain significance for Nemaline myopathy 9. Last evaluated: 2025-09-24. Review status: criteria provided, single submitter. Criteria: Invitae Variant Classification Sherloc (09022015). Collection method: clinical testing. Allele origin: germline.
Comment: This sequence change replaces valine, which is neutral and non-polar, with isoleucine, which is neutral and non-polar, at codon 490 of the KLHL41 protein (p.Val490Ile). This variant is present in population databases (no rsID available, gnomAD 0.004%). This variant has not been reported in the literature in individuals affected with KLHL41-related conditions. ClinVar contains an entry for this variant (Variation ID: 2046304). Invitae Evidence Modeling of protein sequence and biophysical properties (such as structural, functional, and spatial information, amino acid conservation, physicochemical variation, residue mobility, and thermodynamic stability) indicates that this missense variant is not expected to disrupt KLHL41 protein function with a negative predictive value of 80%. In summary, the available evidence is currently insufficient to determine the role of this variant in disease. Therefore, it has been classified as a Variant of Uncertain Significance.

NM_006063.3(KLHL41):c.1468G>A (p.Val490Ile)

Gene: KLHL41 (kelch like family member 41; plus strand). Cytogenetic location: 2q31.1.
Variant type: single nucleotide variant.
Coding change: c.1468G>A on transcript NM_006063.3 (MANE Select); coding-DNA position 1468, G replaced by A.
Protein change: p.Val490Ile; replaces valine 490 with isoleucine.
Molecular consequence: missense variant.
Genome position (GRCh38, 1-based): chr2:169,518,281, G>A. VCF-style: chr2-169518281-G-A. GRCh37 (hg19) VCF-style: chr2-170374791-G-A.
Other names: short protein forms V490I.
Identifiers: ClinVar variation 2046304 (VCV002046304.2), dbSNP rs1341786999, ClinGen allele CA349179116.
Genomic context (GRCh38, chr2:169,518,281, plus strand): 5'-CCCAAAAAAGGAGATTGGAAAGATCTGGCTCCAATGAAAATTCCTCGTTCCATGTTTGGA[G>A]TAGCAGTCCATAAAGGCAAAATTGTGATTGCAGGAGGTGTCACTGAAGATGGTCTTTCAG-3'
Protein context (NP_006054.2, residues 480-500): PMKIPRSMFG[Val490Ile]AVHKGKIVIA